The following is an entry in ClinVar:

NC_000014.8:g.(?_76425530)_(76432058_?)del

Gene: TGFB3 (transforming growth factor beta 3; minus strand). Cytogenetic location: 14q24.3.
Variant type: Deletion.
Identifiers: ClinVar variation 1509040 (VCV001509040.42).

ClinVar aggregate classification (germline): Likely pathogenic (1 of 4 stars; one submission).

Conditions:
Rienhoff syndrome. Also called: LOEYS-DIETZ SYNDROME 5. Identifiers: MedGen C3810012, MONDO:0014262, OMIM 615582.

Submission:

Labcorp Genetics (formerly Invitae), Labcorp
Classification: Likely pathogenic for Rienhoff syndrome. Last evaluated: 2021-10-23. Review status: criteria provided, single submitter. Criteria: Invitae Variant Classification Sherloc (09022015). Collection method: clinical testing. Allele origin: germline.
Comment: In summary, the currently available evidence indicates that the variant is pathogenic, but additional data are needed to prove that conclusively. Therefore, this variant has been classified as Likely Pathogenic. This variant disrupts the p.Arg300 amino acid residue in TGFB3. Other variant(s) that disrupt this residue have been determined to be pathogenic (PMID: 2618446, 24798638, 25835445, 28425089). This suggests that this residue is clinically significant, and that variants that disrupt this residue are likely to be disease-causing. This variant has not been reported in the literature in individuals affected with TGFB3-related conditions. This variant is a gross deletion of the genomic region encompassing exon(s) 4-7 of the TGFB3 gene, which includes the termination codon. This deletion extends beyond the assayed region for this gene and therefore may encompass additional genes. While this deletion is not anticipated to lead to nonsense mediated decay, it is expected to alter mRNA translation or result in a truncated protein product.

Literature cited by the submitters: PubMed 2618446; PubMed 24798638; PubMed 25835445; PubMed 28425089.